The following is an entry in ClinVar:

ClinVar aggregate classification (germline): Uncertain significance (1 of 4 stars; one submission).

Conditions:
Nephronophthisis. Also called: Juvenile Nephronophthisis. Identifiers: Orphanet 655, MedGen C0687120, MONDO:0019005, HP:0000090.
Jeune thoracic dystrophy. Also called: Short-rib thoracic dysplasia; Jeune syndrome; Infantile thoracic dystrophy; Thoracic pelvic phalangeal dystrophy; Jeune's syndrome; Chondroectodermal dysplasia-like syndrome. Identifiers: Orphanet 474, MedGen C0265275, MONDO:0018770.

Allele frequency attached by ClinVar (database versions not stated): gnomAD exomes below 0.00001; ExAC 0.00001; gnomAD 0.00001.
gnomAD v4.1: 3 of 1,613,996 alleles (0.00019%); highest among the groups gnomAD compares: Non-Finnish European, 0.00025%; no homozygotes.

Submission:

Labcorp Genetics (formerly Invitae), Labcorp
Classification: Uncertain significance for Jeune thoracic dystrophy; Nephronophthisis. Last evaluated: 2022-02-03. Review status: criteria provided, single submitter. Criteria: Invitae Variant Classification Sherloc (09022015). Collection method: clinical testing. Allele origin: germline.
Comment: In summary, the available evidence is currently insufficient to determine the role of this variant in disease. Therefore, it has been classified as a Variant of Uncertain Significance. Algorithms developed to predict the effect of missense changes on protein structure and function are either unavailable or do not agree on the potential impact of this missense change (SIFT: "Deleterious"; PolyPhen-2: "Possibly Damaging"; Align-GVGD: "Class C0"). This variant has not been reported in the literature in individuals affected with TTC21B-related conditions. This variant is present in population databases (rs780846081, gnomAD 0.0009%). This sequence change replaces isoleucine, which is neutral and non-polar, with threonine, which is neutral and polar, at codon 1183 of the TTC21B protein (p.Ile1183Thr).

NM_024753.5(TTC21B):c.3548T>C (p.Ile1183Thr)

Gene: TTC21B (tetratricopeptide repeat domain 21B; minus strand). Cytogenetic location: 2q24.3.
Variant type: single nucleotide variant.
Coding change: c.3548T>C on transcript NM_024753.5 (MANE Select); coding-DNA position 3548, T replaced by C.
Protein change: p.Ile1183Thr; replaces isoleucine 1183 with threonine.
Molecular consequence: missense variant.
Genome position (GRCh38, 1-based): chr2:165,883,930, A>G on the plus strand (T>C on the coding strand, the complement: TTC21B is on the minus strand). VCF-style: chr2-165883930-A-G. GRCh37 (hg19) VCF-style: chr2-166740440-A-G.
Other names: short protein forms I1183T.
Identifiers: ClinVar variation 1381314 (VCV001381314.8), dbSNP rs780846081, ClinGen allele CA1941474.